The following is an entry in ClinVar:

NM_002979.5(SCP2):c.199+1G>A

Gene: SCP2 (sterol carrier protein 2; plus strand). Cytogenetic location: 1p32.3.
Variant type: single nucleotide variant.
Coding change: c.199+1G>A on transcript NM_002979.5 (MANE Select); the canonical splice donor site of the intron after coding-DNA position 199, G replaced by A.
Molecular consequence: splice donor variant. On other transcripts: intron variant (1).
Genome position (GRCh38, 1-based): chr1:52,948,081, G>A. VCF-style: chr1-52948081-G-A. GRCh37 (hg19) VCF-style: chr1-53413753-G-A.
Other names: c.199+1G>A (NM_001193600.2, NM_001330587.2, NM_001007098.3); c.128-2674G>A (NM_001193599.2); c.-45+1G>A (NM_001193617.2).
Identifiers: ClinVar variation 3673663 (VCV003673663.2).

ClinVar aggregate classification (germline): Likely pathogenic (1 of 4 stars; one submission).

gnomAD v4.1: 1 of 1,601,294 alleles (0.000062%); highest among the groups gnomAD compares: Non-Finnish European, 0.000086%; no homozygotes.

Submission:

Labcorp Genetics (formerly Invitae), Labcorp
Classification: Likely pathogenic. Last evaluated: 2025-01-20. Review status: criteria provided, single submitter. Criteria: Invitae Variant Classification Sherloc (09022015). Collection method: clinical testing. Allele origin: germline.
Comment: This sequence change affects a donor splice site in intron 3 of the SCP2 gene. It is expected to disrupt RNA splicing. Variants that disrupt the donor or acceptor splice site typically lead to a loss of protein function (PMID: 16199547), and loss-of-function variants in SCP2 are known to be pathogenic (PMID: 16685654, 26497993). This variant is not present in population databases (gnomAD no frequency). This variant has not been reported in the literature in individuals affected with SCP2-related conditions. Algorithms developed to predict the effect of sequence changes on RNA splicing suggest that this variant may disrupt the consensus splice site. In summary, the currently available evidence indicates that the variant is pathogenic, but additional data are needed to prove that conclusively. Therefore, this variant has been classified as Likely Pathogenic.

Literature cited by the submitters: PubMed 16199547; PubMed 16685654; PubMed 26497993.